The following is an entry in ClinVar:

ClinVar aggregate classification (germline): Uncertain significance (1 of 4 stars; one submission).

Conditions:
Cardiovascular phenotype. Identifiers: MedGen CN230736.

Submission:

Ambry Genetics
Classification: Uncertain significance for Cardiovascular phenotype. Last evaluated: 2024-12-20. Review status: criteria provided, single submitter. Criteria: Ambry Variant Classification Scheme 2023. Collection method: clinical testing. Allele origin: germline.
Comment: The p.D354H variant (also known as c.1060G>C), located in coding exon 7 of the SPRED1 gene, results from a G to C substitution at nucleotide position 1060. The aspartic acid at codon 354 is replaced by histidine, an amino acid with similar properties. This amino acid position is conserved. In addition, this alteration is predicted to be deleterious by in silico analysis. Based on the available evidence, the clinical significance of this variant remains unclear.

NM_152594.3(SPRED1):c.1060G>C (p.Asp354His)

Gene: SPRED1 (sprouty related EVH1 domain containing 1; plus strand). Cytogenetic location: 15q14.
Variant type: single nucleotide variant.
Coding change: c.1060G>C on transcript NM_152594.3 (MANE Select); coding-DNA position 1060, G replaced by C.
Protein change: p.Asp354His; replaces aspartic acid 354 with histidine.
Molecular consequence: missense variant.
Genome position (GRCh38, 1-based): chr15:38,351,389, G>C. VCF-style: chr15-38351389-G-C. GRCh37 (hg19) VCF-style: chr15-38643590-G-C.
Other names: short protein forms D354H.
Identifiers: ClinVar variation 3800890 (VCV003800890.1).
Genomic context (GRCh38, chr15:38,351,389, plus strand): 5'-CGCTGCGTATACTGCCAGGAAAGGTTTAATCATGAAGAAAATGTTAGGGGAAAATGTCAG[G>C]ATGCTCCAGACCCTATTAAAAGATGCATATATCAAGTTAGTTGCATGCTCTGTGCAGAGA-3'
Protein context (NP_689807.1, residues 344-364): HEENVRGKCQ[Asp354His]APDPIKRCIY